The following is an entry in ClinVar:

NM_001563.4(IMPG1):c.14C>T (p.Thr5Ile)

Gene: IMPG1 (interphotoreceptor matrix proteoglycan 1; minus strand). Cytogenetic location: 6q14.1.
Variant type: single nucleotide variant.
Coding change: c.14C>T on transcript NM_001563.4 (MANE Select); coding-DNA position 14, C replaced by T.
Protein change: p.Thr5Ile; replaces threonine 5 with isoleucine.
Molecular consequence: missense variant.
Genome position (GRCh38, 1-based): chr6:76,072,475, G>A on the plus strand (C>T on the coding strand, the complement: IMPG1 is on the minus strand). VCF-style: chr6-76072475-G-A. GRCh37 (hg19) VCF-style: chr6-76782192-G-A.
Other names: c.14C>T, p.Thr5Ile (NM_001282368.2); short protein forms T5I.
Identifiers: ClinVar variation 2072595 (VCV002072595.4), dbSNP rs773227600, ClinGen allele CA3898681.

ClinVar aggregate classification (germline): Uncertain significance (1 of 4 stars; one submission).

Allele frequency attached by ClinVar (database versions not stated): gnomAD exomes below 0.00001; TOPMed below 0.00001; ExAC 0.00001; gnomAD 0.00001.
gnomAD v4.1: 3 of 1,592,626 alleles (0.00019%); highest among the groups gnomAD compares: Admixed American, 0.0034%; no homozygotes.

Submission:

Labcorp Genetics (formerly Invitae), Labcorp
Classification: Uncertain significance. Last evaluated: 2024-03-05. Review status: criteria provided, single submitter. Criteria: Invitae Variant Classification Sherloc (09022015). Collection method: clinical testing. Allele origin: germline.
Comment: This sequence change replaces threonine, which is neutral and polar, with isoleucine, which is neutral and non-polar, at codon 5 of the IMPG1 protein (p.Thr5Ile). This variant is present in population databases (rs773227600, gnomAD 0.003%). This variant has not been reported in the literature in individuals affected with IMPG1-related conditions. ClinVar contains an entry for this variant (Variation ID: 2072595). Algorithms developed to predict the effect of missense changes on protein structure and function output the following: SIFT: "Not Available"; PolyPhen-2: "Benign"; Align-GVGD: "Not Available". The isoleucine amino acid residue is found in multiple mammalian species, which suggests that this missense change does not adversely affect protein function. In summary, the available evidence is currently insufficient to determine the role of this variant in disease. Therefore, it has been classified as a Variant of Uncertain Significance.